The following is an entry in ClinVar:

ClinVar aggregate classification (germline): Likely benign (0 of 4 stars; one submission).

Conditions:
EPPK1-related disorder. Also called: EPPK1-related condition.

Allele frequency attached by ClinVar (database versions not stated): gnomAD 0.00029; TOPMed 0.00043; ExAC 0.00059; 1000 Genomes Project 30x 0.00109; 1000 Genomes Project 0.00120.
gnomAD v4.1: 347 of 1,612,726 alleles (0.022%); highest among the groups gnomAD compares: East Asian, 0.65%; 2 homozygotes.

Submission:

PreventionGenetics, part of Exact Sciences
Classification: Likely benign for EPPK1-related condition. Last evaluated: 2022-10-17. Review status: no assertion criteria provided. Collection method: clinical testing. Allele origin: germline.
Comment: This variant is classified as likely benign based on ACMG/AMP sequence variant interpretation guidelines (Richards et al. 2015 PMID: 25741868, with internal and published modifications).

NM_031308.4(EPPK1):c.6039G>A (p.Thr2013=)

Gene: EPPK1 (epiplakin 1; minus strand). Cytogenetic location: 8q24.3.
Variant type: single nucleotide variant.
Coding change: c.6039G>A on transcript NM_031308.4 (MANE Select); coding-DNA position 6039, G replaced by A.
Protein change: p.Thr2013=; no amino-acid change (threonine 2013 retained).
Molecular consequence: synonymous variant.
Genome position (GRCh38, 1-based): chr8:143,867,215, C>T on the plus strand (G>A on the coding strand, the complement: EPPK1 is on the minus strand). VCF-style: chr8-143867215-C-T. GRCh37 (hg19) VCF-style: chr8-144941383-C-T.
Identifiers: ClinVar variation 3054914 (VCV003054914.2), dbSNP rs575399844, ClinGen allele CA4921955.